The following is an entry in ClinVar:

NM_018122.5(DARS2):c.1375T>C (p.Cys459Arg)

Gene: DARS2 (aspartyl-tRNA synthetase 2, mitochondrial; plus strand). Cytogenetic location: 1q25.1.
Variant type: single nucleotide variant.
Coding change: c.1375T>C on transcript NM_018122.5 (MANE Select); coding-DNA position 1375, T replaced by C.
Protein change: p.Cys459Arg; replaces cysteine 459 with arginine.
Molecular consequence: missense variant.
Genome position (GRCh38, 1-based): chr1:173,853,379, T>C. VCF-style: chr1-173853379-T-C. GRCh37 (hg19) VCF-style: chr1-173822517-T-C.
Other names: c.1222T>C, p.Cys408Arg (NM_001365212.1); short protein forms C459R, C408R.
Identifiers: ClinVar variation 1973186 (VCV001973186.5), dbSNP rs751160910, ClinGen allele CA343766345.

ClinVar aggregate classification (germline): Uncertain significance (1 of 4 stars; one submission).

gnomAD v4.1: 17 of 1,614,020 alleles (0.0011%); highest among the groups gnomAD compares: Non-Finnish European, 0.0014%; no homozygotes.

Submission:

Labcorp Genetics (formerly Invitae), Labcorp
Classification: Uncertain significance. Last evaluated: 2023-08-17. Review status: criteria provided, single submitter. Criteria: Invitae Variant Classification Sherloc (09022015). Collection method: clinical testing. Allele origin: germline.
Comment: This sequence change replaces cysteine, which is neutral and slightly polar, with arginine, which is basic and polar, at codon 459 of the DARS2 protein (p.Cys459Arg). This variant is not present in population databases (gnomAD no frequency). This variant has not been reported in the literature in individuals affected with DARS2-related conditions. ClinVar contains an entry for this variant (Variation ID: 1973186). Advanced modeling of protein sequence and biophysical properties (such as structural, functional, and spatial information, amino acid conservation, physicochemical variation, residue mobility, and thermodynamic stability) has been performed at Invitae for this missense variant, however the output from this modeling did not meet the statistical confidence thresholds required to predict the impact of this variant on DARS2 protein function. In summary, the available evidence is currently insufficient to determine the role of this variant in disease. Therefore, it has been classified as a Variant of Uncertain Significance.